The following is an entry in ClinVar:

ClinVar aggregate classification (germline): Likely benign. Review status: criteria provided, single submitter (1 of 4 stars). 2 submissions from 2 submitters: Likely benign (1). 1 of the submissions does not count toward it. Last evaluated 2024-07-08.

Conditions:
Deficiency of aromatic-L-amino-acid decarboxylase. Also called: Aromatic amino acid decarboxylase deficiency; AADC DEFICIENCY; Aromatic L-Amino Acid Decarboxylase Deficiency; DDC DEFICIENCY; DOPA DECARBOXYLASE DEFICIENCY. Identifiers: Orphanet 35708, MedGen C1291564, MONDO:0012084, OMIM 608643.
DDC-related disorder. Also called: DDC-related condition.

Allele frequency attached by ClinVar (database versions not stated): gnomAD exomes below 0.00001; TOPMed 0.00001.
gnomAD v4.1: 21 of 1,613,770 alleles (0.0013%); highest among the groups gnomAD compares: Non-Finnish European, 0.0018%; no homozygotes.

Submissions (2):

Labcorp Genetics (formerly Invitae), Labcorp
Classification: Likely benign for Deficiency of aromatic-L-amino-acid decarboxylase. Last evaluated: 2024-07-08. Review status: criteria provided, single submitter. Criteria: Invitae Variant Classification Sherloc (09022015). Collection method: clinical testing. Allele origin: germline.

PreventionGenetics, part of Exact Sciences
Classification: Likely benign for DDC-related condition. Last evaluated: 2019-06-11. Review status: no assertion criteria provided. Collection method: clinical testing. Allele origin: germline. Not counted in ClinVar's aggregate classification.
Comment: This variant is classified as likely benign based on ACMG/AMP sequence variant interpretation guidelines (Richards et al. 2015 PMID: 25741868, with internal and published modifications).

NM_001082971.2(DDC):c.201+7G>T

Gene: DDC (dopa decarboxylase; minus strand). Cytogenetic location: 7p12.1.
Variant type: single nucleotide variant.
Coding change: c.201+7G>T on transcript NM_001082971.2 (MANE Select); 7 bases into the intron after coding-DNA position 201, G replaced by T.
Molecular consequence: intron variant.
Genome position (GRCh38, 1-based): chr7:50,543,878, C>A on the plus strand (G>T on the coding strand, the complement: DDC is on the minus strand). VCF-style: chr7-50543878-C-A. GRCh37 (hg19) VCF-style: chr7-50611576-C-A.
Other names: c.201+7G>T (NM_001242888.2, NM_001242886.2, NM_001242889.2 and 4 more transcripts).
Identifiers: ClinVar variation 1541646 (VCV001541646.9), dbSNP rs1172420809, ClinGen allele CA574695446.